The following is an entry in ClinVar:

NM_015693.4(INTU):c.1796A>G (p.Tyr599Cys)

Gene: INTU (inturned planar cell polarity protein; plus strand). Cytogenetic location: 4q28.1.
Variant type: single nucleotide variant.
Coding change: c.1796A>G on transcript NM_015693.4 (MANE Select); coding-DNA position 1796, A replaced by G.
Protein change: p.Tyr599Cys; replaces tyrosine 599 with cysteine.
Molecular consequence: missense variant.
Genome position (GRCh38, 1-based): chr4:127,706,494, A>G. VCF-style: chr4-127706494-A-G. GRCh37 (hg19) VCF-style: chr4-128627649-A-G.
Other names: short protein forms Y599C.
Identifiers: ClinVar variation 2914492 (VCV002914492.3), dbSNP rs779318041, ClinGen allele CA3075196.

ClinVar aggregate classification (germline): Uncertain significance (1 of 4 stars; one submission).

Allele frequency attached by ClinVar (database versions not stated): gnomAD exomes below 0.00001; ExAC 0.00001.
gnomAD v4.1: 5 of 1,606,246 alleles (0.00031%); highest among the groups gnomAD compares: Admixed American, 0.0017%; no homozygotes.

Submission:

Labcorp Genetics (formerly Invitae), Labcorp
Classification: Uncertain significance. Last evaluated: 2023-12-02. Review status: criteria provided, single submitter. Criteria: Invitae Variant Classification Sherloc (09022015). Collection method: clinical testing. Allele origin: germline.
Comment: This sequence change replaces tyrosine, which is neutral and polar, with cysteine, which is neutral and slightly polar, at codon 599 of the INTU protein (p.Tyr599Cys). This variant is present in population databases (rs779318041, gnomAD 0.003%). This variant has not been reported in the literature in individuals affected with INTU-related conditions. Advanced modeling of protein sequence and biophysical properties (such as structural, functional, and spatial information, amino acid conservation, physicochemical variation, residue mobility, and thermodynamic stability) performed at Invitae indicates that this missense variant is not expected to disrupt INTU protein function with a negative predictive value of 80%. In summary, the available evidence is currently insufficient to determine the role of this variant in disease. Therefore, it has been classified as a Variant of Uncertain Significance.